The following is an entry in ClinVar:

NM_153252.5(BRWD3):c.3817A>G (p.Ile1273Val)

Gene: BRWD3 (bromodomain and WD repeat domain containing 3; minus strand). Cytogenetic location: Xq21.1.
Variant type: single nucleotide variant.
Coding change: c.3817A>G on transcript NM_153252.5 (MANE Select); coding-DNA position 3817, A replaced by G.
Protein change: p.Ile1273Val; replaces isoleucine 1273 with valine.
Molecular consequence: missense variant.
Genome position (GRCh38, 1-based): chrX:80,688,116, T>C on the plus strand (A>G on the coding strand, the complement: BRWD3 is on the minus strand). VCF-style: chrX-80688116-T-C. GRCh37 (hg19) VCF-style: chrX-79943615-T-C.
Other names: c.3667A>G, p.Ile1223Val (NM_001441339.1); short protein forms I1223V, I1273V.
Identifiers: ClinVar variation 4717697 (VCV004717697.1).

ClinVar aggregate classification (germline): Uncertain significance (1 of 4 stars; one submission).

Submission:

Labcorp Genetics (formerly Invitae), Labcorp
Classification: Uncertain significance. Last evaluated: 2025-04-17. Review status: criteria provided, single submitter. Criteria: Invitae Variant Classification Sherloc (09022015). Collection method: clinical testing. Allele origin: germline.
Comment: This sequence change replaces isoleucine, which is neutral and non-polar, with valine, which is neutral and non-polar, at codon 1273 of the BRWD3 protein (p.Ile1273Val). This variant is not present in population databases (gnomAD no frequency). This variant has not been reported in the literature in individuals affected with BRWD3-related conditions. An algorithm developed to predict the effect of missense changes on protein structure and function outputs the following: PolyPhen-2: "Benign". The valine amino acid residue is found in multiple mammalian species, which suggests that this missense change does not adversely affect protein function. In summary, the available evidence is currently insufficient to determine the role of this variant in disease. Therefore, it has been classified as a Variant of Uncertain Significance.